The following is an entry in ClinVar:

ClinVar aggregate classification (germline): Likely pathogenic. Review status: reviewed by expert panel (3 of 4 stars). 5 submissions from 5 submitters: Likely pathogenic (1). 4 of the submissions do not count toward it. Last evaluated 2023-09-26.

Conditions:
Very long chain acyl-CoA dehydrogenase deficiency (ACADVLD). Also called: Very Long-Chain Acyl-Coenzyme A Dehydrogenase Deficiency; VLCAD Deficiency. Identifiers: Orphanet 26793, MedGen C3887523, MONDO:0008723, OMIM 201475.

Submissions (5):

ClinGen ACADVL Variant Curation Expert Panel, ClinGen
Classification: Likely pathogenic for Very long chain acyl-CoA dehydrogenase deficiency. Last evaluated: 2023-09-26. Review status: reviewed by expert panel. Criteria: clingen acadvl acmg specifications v1. Collection method: curation. Allele origin: germline. Inheritance: Autosomal recessive inheritance.
Comment: The NM_000018.4(ACADVL): c.926_927del (p.Glu309Glyfs*4) variant in ACADVL is a frameshift variant predicted to cause a premature stop codon in biologically-relevant-exon 10/20 leading to nonsense mediated decay in a gene in which loss-of-function is an established disease mechanism (PVS1; PMIDs 9973285, 11590124). This variant is absent from gnomAD v2.1.1 (PM2_Supporting). In summary, this variant meets the criteria to be classified as likely pathogenic for autosomal recessive very long chain acyl-CoA dehydrogenase (VLCAD) deficiency based on the ACMG/AMP criteria applied, as specified by the ClinGen ACADVL Variant Curation Expert Panel: PVS1, PM2_Suporting (ACADVL VCEP specifications version 1; approved November 9, 2021).

Natera, Inc.
Classification: Likely pathogenic for Very long chain acyl-CoA dehydrogenase deficiency. Last evaluated: 2024-09-26. Review status: criteria provided, single submitter. Criteria: Natera Variant Classification Schema (03/2026). Collection method: clinical testing. Allele origin: germline. Not counted in ClinVar's aggregate classification.
Comment: The c.926_927del variant in ACADVL is a frameshift variant predicted to shift the reading frame beginning at codon 309 and leads to a stop codon 4 codons downstream. This variant is expected to result in nonsense mediated decay, truncation, or a dysfunctional protein product. This variant is rare in the general population with a frequency below the threshold expected for the associated phenotype(s). Given the available evidence, this variant is classified as Likely Pathogenic.

Labcorp Genetics (formerly Invitae), Labcorp
Classification: Pathogenic for Very long chain acyl-CoA dehydrogenase deficiency. Last evaluated: 2024-01-27. Review status: criteria provided, single submitter. Criteria: Invitae Variant Classification Sherloc (09022015). Collection method: clinical testing. Allele origin: germline. Not counted in ClinVar's aggregate classification.
Comment: This sequence change creates a premature translational stop signal (p.Glu309Glyfs*4) in the ACADVL gene. It is expected to result in an absent or disrupted protein product. Loss-of-function variants in ACADVL are known to be pathogenic (PMID: 9973285, 11590124). This variant is not present in population databases (gnomAD no frequency). This variant has not been reported in the literature in individuals affected with ACADVL-related conditions. ClinVar contains an entry for this variant (Variation ID: 932847). Algorithms developed to predict the effect of sequence changes on RNA splicing suggest that this variant may disrupt the consensus splice site. For these reasons, this variant has been classified as Pathogenic.

Baylor Genetics
Classification: Pathogenic for Very long chain acyl-CoA dehydrogenase deficiency. Last evaluated: 2023-08-12. Review status: criteria provided, single submitter. Criteria: ACMG Guidelines, 2015. Collection method: clinical testing. Allele origin: unknown. Not counted in ClinVar's aggregate classification.

Wong Mito Lab, Molecular and Human Genetics, Baylor College of Medicine
Classification: Pathogenic for Very long chain acyl-CoA dehydrogenase deficiency. Last evaluated: 2019-11-01. Review status: criteria provided, single submitter. Criteria: ACMG Guidelines, 2015. Collection method: clinical testing. Allele origin: germline. Not counted in ClinVar's aggregate classification.
Comment: The NM_000018.3:c.926_927delAG (NP_000009.1:p.Glu309GlyfsTer4) [GRCH38: NC_000017.11:g.7222714_7222715del] variant in ACADVL gene is interpretated to be Pathogenic based on ACMG guidelines (PMID: 25741868). This variant has been reported. This variant meets the following evidence codes reported in the ACMG guidelines: PVS1, PS3

Literature cited by the submitters: PubMed 9973285 (cited by Labcorp Genetics (formerly Invitae), Labcorp); PubMed 11590124 (cited by Labcorp Genetics (formerly Invitae), Labcorp).

NM_000018.4(ACADVL):c.926_927del (p.Glu309fs)

Gene: ACADVL (acyl-CoA dehydrogenase very long chain; plus strand). Cytogenetic location: 17p13.1.
Variant type: Microsatellite.
Coding change: c.926_927del on transcript NM_000018.4 (MANE Select); coding-DNA positions 926 to 927, 2 bases deleted (AG; older notation c.926_927delAG).
Protein change: p.Glu309fs; shifts the reading frame from glutamic acid 309.
Molecular consequence: frameshift variant.
Genome position (GRCh38, 1-based): chr17:7,222,714-7,222,715, AG deleted; deleting any 2 consecutive bases within chr17:7,222,712-7,222,715 gives the same sequence; the c. name uses the placement nearest the transcript's 3' end. VCF-style (leftmost placement, unchanged base first): chr17-7222711-CAG-C. GRCh37 (hg19) VCF-style: chr17-7126030-CAG-C.
Other names: NM_000018.4(ACADVL):c.926_927del; p.Glu309fs; c.926_927del (NM_000018.3); c.860_861del, p.Glu287fs (NM_001033859.3); c.995_996del, p.Glu332fs (NM_001270447.2); c.698_699del, p.Glu233fs (NM_001270448.2); short protein forms E287fs, E309fs, E332fs, E233fs.
Identifiers: ClinVar variation 932847 (VCV000932847.7), dbSNP rs2071289046, ClinGen allele CA2245709348.